The following is an entry in ClinVar:

NM_004519.4(KCNQ3):c.339C>A (p.Asp113Glu)

Gene: KCNQ3 (potassium voltage-gated channel subfamily Q member 3; minus strand). Cytogenetic location: 8q24.22.
Variant type: single nucleotide variant.
Coding change: c.339C>A on transcript NM_004519.4 (MANE Select); coding-DNA position 339, C replaced by A.
Protein change: p.Asp113Glu; replaces aspartic acid 113 with glutamic acid.
Molecular consequence: missense variant.
Genome position (GRCh38, 1-based): chr8:132,480,194, G>T on the plus strand (C>A on the coding strand, the complement: KCNQ3 is on the minus strand). VCF-style: chr8-132480194-G-T. GRCh37 (hg19) VCF-style: chr8-133492441-G-T.
Other names: short protein forms D113E.
Identifiers: ClinVar variation 3656401 (VCV003656401.2).

ClinVar aggregate classification (germline): Uncertain significance (1 of 4 stars; one submission).

Conditions:
Benign neonatal seizures. Also called: Benign neonatal familial convulsions; Benign familial neonatal seizures; Benign familial neonatal epilepsy; Convulsions benign familial neonatal dominant form; Autosomal dominant form of benign neonatal seizures. Identifiers: Orphanet 1949, MedGen C0220669, MONDO:0016027.

Submission:

Labcorp Genetics (formerly Invitae), Labcorp
Classification: Uncertain significance for Benign neonatal seizures. Last evaluated: 2024-06-12. Review status: criteria provided, single submitter. Criteria: Invitae Variant Classification Sherloc (09022015). Collection method: clinical testing. Allele origin: germline.
Comment: This sequence change replaces aspartic acid, which is acidic and polar, with glutamic acid, which is acidic and polar, at codon 113 of the KCNQ3 protein (p.Asp113Glu). This variant is not present in population databases (gnomAD no frequency). This variant has not been reported in the literature in individuals affected with KCNQ3-related conditions. Advanced modeling of protein sequence and biophysical properties (such as structural, functional, and spatial information, amino acid conservation, physicochemical variation, residue mobility, and thermodynamic stability) performed at Invitae indicates that this missense variant is not expected to disrupt KCNQ3 protein function with a negative predictive value of 80%. In summary, the available evidence is currently insufficient to determine the role of this variant in disease. Therefore, it has been classified as a Variant of Uncertain Significance.